The following is an entry in ClinVar:

ClinVar aggregate classification (germline): Uncertain significance (1 of 4 stars; one submission).

Submission:

Ambry Genetics
Classification: Uncertain significance. Last evaluated: 2024-05-05. Review status: criteria provided, single submitter. Criteria: Ambry Variant Classification Scheme 2023. Collection method: clinical testing. Allele origin: germline.
Comment: The p.D1282N variant (also known as c.3844G>A), located in coding exon 4 of the ALPK2 gene, results from a G to A substitution at nucleotide position 3844. The aspartic acid at codon 1282 is replaced by asparagine, an amino acid with highly similar properties. This amino acid position is conserved. In addition, this alteration is predicted to be tolerated by in silico analysis. Based on the available evidence, the clinical significance of this variant remains unclear.

NM_052947.4(ALPK2):c.3844G>A (p.Asp1282Asn)

Genes: ALPK2 (alpha kinase 2; minus strand), LOC126862764 (BRD4-independent group 4 enhancer GRCh37_chr18:56202574-56203773; plus strand). Cytogenetic location: 18q21.31.
Variant type: single nucleotide variant.
Coding change: c.3844G>A on transcript NM_052947.4 (MANE Select); coding-DNA position 3844, G replaced by A.
Protein change: p.Asp1282Asn; replaces aspartic acid 1282 with asparagine.
Molecular consequence: missense variant.
Genome position (GRCh38, 1-based): chr18:58,536,343, C>T on the plus strand (G>A on the coding strand, the complement: ALPK2 is on the minus strand). VCF-style: chr18-58536343-C-T. GRCh37 (hg19) VCF-style: chr18-56203575-C-T.
Other names: short protein forms D1282N.
Identifiers: ClinVar variation 3290347 (VCV003290347.1).